The following is an entry in ClinVar:

ClinVar aggregate classification (germline): Uncertain significance. Review status: criteria provided, multiple submitters, no conflicts (2 of 4 stars). 2 submissions from 2 submitters: Uncertain significance (2). Last evaluated 2024-09-09.

Conditions:
Inborn genetic diseases. Identifiers: MedGen C0950123, MeSH D030342.
Charcot-Marie-Tooth disease type 4. Also called: Charcot-Marie-Tooth, Type 4; Charcot-Marie-Tooth disease, type IV. Identifiers: Orphanet 64749, MedGen C4082197, MONDO:0018995.

Allele frequency attached by ClinVar (database versions not stated): ExAC 0.00001.

Submissions (2):

Ambry Genetics
Classification: Uncertain significance for Inborn genetic diseases. Last evaluated: 2024-09-09. Review status: criteria provided, single submitter. Criteria: Ambry Variant Classification Scheme 2023. Collection method: clinical testing. Allele origin: germline.

Labcorp Genetics (formerly Invitae), Labcorp
Classification: Uncertain significance for Charcot-Marie-Tooth disease type 4. Last evaluated: 2018-02-07. Review status: criteria provided, single submitter. Criteria: Invitae Variant Classification Sherloc (09022015). Collection method: clinical testing. Allele origin: germline.
Comment: In summary, the available evidence is currently insufficient to determine the role of this variant in disease. Therefore, it has been classified as a Variant of Uncertain Significance. Algorithms developed to predict the effect of missense changes on protein structure and function output the following: SIFT: "Deleterious"; PolyPhen-2: "Benign"; Align-GVGD: "Class C0". The methionine amino acid residue is found in multiple mammalian species, suggesting that this missense change does not adversely affect protein function. These predictions have not been confirmed by published functional studies and their clinical significance is uncertain. This variant has not been reported in the literature in individuals with PRX-related disease. This variant is present in population databases (rs764542785, ExAC 0.01%). This sequence change replaces valine with methionine at codon 541 of the PRX protein (p.Val541Met). The valine residue is weakly conserved and there is a small physicochemical difference between valine and methionine.

NM_181882.3(PRX):c.1621G>A (p.Val541Met)

Gene: PRX (periaxin; minus strand). Cytogenetic location: 19q13.2.
Variant type: single nucleotide variant.
Coding change: c.1621G>A on transcript NM_181882.3 (MANE Select); coding-DNA position 1621, G replaced by A.
Protein change: p.Val541Met; replaces valine 541 with methionine.
Molecular consequence: missense variant. On other transcripts: 3 prime UTR variant (1).
Genome position (GRCh38, 1-based): chr19:40,396,731, C>T on the plus strand (G>A on the coding strand, the complement: PRX is on the minus strand). VCF-style: chr19-40396731-C-T. GRCh37 (hg19) VCF-style: chr19-40902638-C-T.
Other names: c.1621G>A (NM_181882.2); c.*1826G>A (NM_020956.2); short protein forms V541M.
Identifiers: ClinVar variation 1004412 (VCV001004412.9), dbSNP rs764542785, ClinGen allele CA9444229.